The following is an entry in ClinVar:

ClinVar aggregate classification (germline): Pathogenic (1 of 4 stars; one submission).

Submission:

GeneDx
Classification: Pathogenic. Last evaluated: 2026-02-12. Review status: criteria provided, single submitter. Criteria: GeneDx Variant Classification Process June 2021. Collection method: clinical testing. Allele origin: germline.
Comment: Frameshift variant predicted to result in protein truncation or nonsense mediated decay in a gene for which loss of function is a known mechanism of disease; Not observed at significant frequency in large population cohorts (gnomAD); This variant is associated with the following publications: (PMID: 31740684)

NM_001009944.3(PKD1):c.7942del (p.Glu2648fs)

Gene: PKD1 (polycystin 1, transient receptor potential channel interacting; minus strand). Cytogenetic location: 16p13.3.
Variant type: Deletion.
Coding change: c.7942del on transcript NM_001009944.3 (MANE Select); coding-DNA position 7942, one base deleted (G; older notation c.7942delG).
Protein change: p.Glu2648fs; shifts the reading frame from glutamic acid 2648.
Molecular consequence: frameshift variant.
Genome position (GRCh38, 1-based): chr16:2,105,396, C deleted on the plus strand (G on the coding strand, the reverse complement: PKD1 is on the minus strand); the first of 2 consecutive C bases (chr16:2,105,396-2,105,397); deleting either gives the same sequence. VCF-style (leftmost placement, unchanged base first): chr16-2105395-TC-T. GRCh37 (hg19) VCF-style: chr16-2155396-TC-T.
Other names: c.7942del, p.Glu2648fs (NM_000296.4); c.7941delG, p.Glu2648Argfs (NM_001009944.2); short protein forms E2648fs.
Identifiers: ClinVar variation 4888202 (VCV004888202.1).